The following is an entry in ClinVar:

NM_014363.6(SACS):c.321T>A (p.Tyr107Ter)

Gene: SACS (sacsin molecular chaperone; minus strand). Cytogenetic location: 13q12.12.
Variant type: single nucleotide variant.
Coding change: c.321T>A on transcript NM_014363.6 (MANE Select); coding-DNA position 321, T replaced by A.
Protein change: p.Tyr107Ter; replaces tyrosine 107 with a stop codon.
Molecular consequence: nonsense. On other transcripts: 5 prime UTR variant (1).
Genome position (GRCh38, 1-based): chr13:23,368,426, A>T on the plus strand (T>A on the coding strand, the complement: SACS is on the minus strand). VCF-style: chr13-23368426-A-T. GRCh37 (hg19) VCF-style: chr13-23942565-A-T.
Other names: c.-121T>A (NM_001278055.2); short protein forms Y107*.
Identifiers: ClinVar variation 2131978 (VCV002131978.4), dbSNP rs370370098, ClinGen allele CA387553193.
Genomic context (GRCh38, chr13:23,368,426, plus strand): 5'-AAAGTAAATAACACATGAACACGACATGTGCCCCACCTTAAGAATCTGTCCTCCTTCTGG[A>T]TATCTTCTCAAAATGTCCTTGAGAAAATCAACAAGTGGTGGCGTTGTCTGACCAAATCGA-3'

ClinVar aggregate classification (germline): Pathogenic (1 of 4 stars; one submission).

Conditions:
Spastic paraplegia. Identifiers: MedGen C0037772, HP:0001258.

Submission:

Labcorp Genetics (formerly Invitae), Labcorp
Classification: Pathogenic for Spastic paraplegia. Last evaluated: 2022-04-29. Review status: criteria provided, single submitter. Criteria: Invitae Variant Classification Sherloc (09022015). Collection method: clinical testing. Allele origin: germline.
Comment: For these reasons, this variant has been classified as Pathogenic. This variant has not been reported in the literature in individuals affected with SACS-related conditions. This variant is not present in population databases (gnomAD no frequency). This sequence change creates a premature translational stop signal (p.Tyr107*) in the SACS gene. It is expected to result in an absent or disrupted protein product. Loss-of-function variants in SACS are known to be pathogenic (PMID: 18465152, 20876471).

Literature cited by the submitters: PubMed 18465152; PubMed 20876471.